The following is an entry in ClinVar:

ClinVar aggregate classification (germline): Uncertain significance. Review status: criteria provided, multiple submitters, no conflicts (2 of 4 stars). 2 submissions from 2 submitters: Uncertain significance (2). Last evaluated 2023-11-02.

Conditions:
Dyskeratosis congenita, autosomal dominant 2. Identifiers: MedGen C3151443, MONDO:0013521, OMIM 613989.
Idiopathic Pulmonary Fibrosis. Also called: Idiopathic fibrosing alveolitis, chronic form; idiopathic fibrosing alveolitis. Identifiers: Orphanet 2032, MedGen C1800706, MeSH D054990, MONDO:0800504.

Submissions (2):

Baylor Genetics
Classification: Uncertain significance for Dyskeratosis congenita, autosomal dominant 2. Last evaluated: 2023-11-02. Review status: criteria provided, single submitter. Criteria: ACMG Guidelines, 2015. Collection method: clinical testing. Allele origin: unknown.

Labcorp Genetics (formerly Invitae), Labcorp
Classification: Uncertain significance for Dyskeratosis congenita, autosomal dominant 2; Idiopathic Pulmonary Fibrosis. Last evaluated: 2022-02-05. Review status: criteria provided, single submitter. Criteria: Invitae Variant Classification Sherloc (09022015). Collection method: clinical testing. Allele origin: germline.
Comment: In summary, the available evidence is currently insufficient to determine the role of this variant in disease. Therefore, it has been classified as a Variant of Uncertain Significance. Algorithms developed to predict the effect of sequence changes on RNA splicing suggest that this variant may create or strengthen a splice site. Algorithms developed to predict the effect of missense changes on protein structure and function are either unavailable or do not agree on the potential impact of this missense change (SIFT: "Deleterious"; PolyPhen-2: "Benign"; Align-GVGD: "Class C0"). This variant has not been reported in the literature in individuals affected with TERT-related conditions. This variant is not present in population databases (gnomAD no frequency). This sequence change replaces leucine, which is neutral and non-polar, with valine, which is neutral and non-polar, at codon 1103 of the TERT protein (p.Leu1103Val).

NM_198253.3(TERT):c.3307C>G (p.Leu1103Val)

Gene: TERT (telomerase reverse transcriptase; minus strand). Cytogenetic location: 5p15.33.
Variant type: single nucleotide variant.
Coding change: c.3307C>G on transcript NM_198253.3 (MANE Select); coding-DNA position 3307, C replaced by G.
Protein change: p.Leu1103Val; replaces leucine 1103 with valine.
Molecular consequence: missense variant. On other transcripts: non-coding transcript variant (2).
Genome position (GRCh38, 1-based): chr5:1,253,820, G>C on the plus strand (C>G on the coding strand, the complement: TERT is on the minus strand). VCF-style: chr5-1253820-G-C. GRCh37 (hg19) VCF-style: chr5-1253935-G-C.
Other names: c.3118C>G, p.Leu1040Val (NM_001193376.3); c.3307C>G, p.Leu1103Val (NM_003219.1); short protein forms L1040V, L1103V.
Identifiers: ClinVar variation 2155959 (VCV002155959.5), dbSNP rs2478067299, ClinGen allele CA359066875.
Genomic context (GRCh38, chr5:1,253,820, plus strand): 5'-GTGCCGGGTTGGCTGCGGCCTCCAGGGCAGTCAGCGTCGTCCCCGGGAGCTTCCGACTCA[G>C]CTGCGTCTGGGCTGCGGGGCCAAAATCAGACTCCGTTCCAGAAGAGGCCAGAGGTGGCAT-3'
Protein context (NP_937983.2, residues 1093-1113): LGSLRTAQTQ[Leu1103Val]SRKLPGTTLT